The following is an entry in ClinVar:

ClinVar aggregate classification (germline): Uncertain significance. Review status: criteria provided, multiple submitters, no conflicts (2 of 4 stars). 4 submissions from 4 submitters: Uncertain significance (4). Last evaluated 2025-07-14.

Conditions:
Inborn genetic diseases. Identifiers: MedGen C0950123, MeSH D030342.
SAMD9L-related disorder. Also called: SAMD9L-related disorders; SAMD9L-related condition.

Allele frequency attached by ClinVar (database versions not stated): gnomAD exomes 0.00001; TOPMed 0.00002; gnomAD 0.00003.
gnomAD v4.1: 23 of 1,613,722 alleles (0.0014%); highest among the groups gnomAD compares: Non-Finnish European, 0.0017%; no homozygotes.

Submissions (4):

Labcorp Genetics (formerly Invitae), Labcorp
Classification: Uncertain significance. Last evaluated: 2025-07-14. Review status: criteria provided, single submitter. Criteria: Invitae Variant Classification Sherloc (09022015). Collection method: clinical testing. Allele origin: germline.
Comment: This sequence change replaces lysine, which is basic and polar, with glutamic acid, which is acidic and polar, at codon 1252 of the SAMD9L protein (p.Lys1252Glu). This variant is present in population databases (no rsID available, gnomAD 0.007%). This variant has not been reported in the literature in individuals affected with SAMD9L-related conditions. ClinVar contains an entry for this variant (Variation ID: 1407957). Invitae Evidence Modeling of protein sequence and biophysical properties (such as structural, functional, and spatial information, amino acid conservation, physicochemical variation, residue mobility, and thermodynamic stability) indicates that this missense variant is not expected to disrupt SAMD9L protein function with a negative predictive value of 80%. In summary, the available evidence is currently insufficient to determine the role of this variant in disease. Therefore, it has been classified as a Variant of Uncertain Significance.

Ambry Genetics
Classification: Uncertain significance for Inborn genetic diseases. Last evaluated: 2025-02-28. Review status: criteria provided, single submitter. Criteria: Ambry Variant Classification Scheme 2023. Collection method: clinical testing. Allele origin: germline.

PreventionGenetics, part of Exact Sciences
Classification: Uncertain significance for SAMD9L-related condition. Last evaluated: 2024-12-21. Review status: criteria provided, single submitter. Criteria: ACMG Guidelines, 2015. Collection method: clinical testing. Allele origin: germline.
Comment: The SAMD9L c.3754A>G variant is predicted to result in the amino acid substitution p.Lys1252Glu. To our knowledge, this variant has not been reported in the literature. This variant is reported in 0.0062% of alleles in individuals of African descent in gnomAD. At this time, the clinical significance of this variant is uncertain due to the absence of conclusive functional and genetic evidence.

GeneDx
Classification: Uncertain significance. Last evaluated: 2024-02-20. Review status: criteria provided, single submitter. Criteria: GeneDx Variant Classification Process June 2021. Collection method: clinical testing. Allele origin: germline. Affected: yes.
Comment: Not observed at significant frequency in large population cohorts (gnomAD); In silico analysis supports that this missense variant does not alter protein structure/function; Has not been previously published as pathogenic or benign to our knowledge

NM_152703.5(SAMD9L):c.3754A>G (p.Lys1252Glu)

Gene: SAMD9L (sterile alpha motif domain containing 9 like; minus strand). Cytogenetic location: 7q21.2.
Variant type: single nucleotide variant.
Coding change: c.3754A>G on transcript NM_152703.5 (MANE Select); coding-DNA position 3754, A replaced by G.
Protein change: p.Lys1252Glu; replaces lysine 1252 with glutamic acid.
Molecular consequence: missense variant.
Genome position (GRCh38, 1-based): chr7:93,132,218, T>C on the plus strand (A>G on the coding strand, the complement: SAMD9L is on the minus strand). VCF-style: chr7-93132218-T-C. GRCh37 (hg19) VCF-style: chr7-92761531-T-C.
Other names: c.3754A>G (NM_152703.3, NM_152703.2); c.3754A>G, p.Lys1252Glu (NM_001303496.3, NM_001303497.3, NM_001303498.3 and 5 more transcripts); short protein forms K1252E.
Identifiers: ClinVar variation 1407957 (VCV001407957.10), dbSNP rs1313007794, ClinGen allele CA368180213.